The following is an entry in ClinVar:

NM_000443.4(ABCB4):c.300G>T (p.Leu100Phe)

Gene: ABCB4 (ATP binding cassette subfamily B member 4; minus strand). Cytogenetic location: 7q21.12.
Variant type: single nucleotide variant.
Coding change: c.300G>T on transcript NM_000443.4 (MANE Select); coding-DNA position 300, G replaced by T.
Protein change: p.Leu100Phe; replaces leucine 100 with phenylalanine.
Molecular consequence: missense variant.
Genome position (GRCh38, 1-based): chr7:87,454,579, C>A on the plus strand (G>T on the coding strand, the complement: ABCB4 is on the minus strand). VCF-style: chr7-87454579-C-A. GRCh37 (hg19) VCF-style: chr7-87083895-C-A.
Other names: c.300G>T, p.Leu100Phe (NM_018849.3, NM_018850.3); short protein forms L100F.
Identifiers: ClinVar variation 3358167 (VCV003358167.1).
Genomic context (GRCh38, chr7:87,454,579, plus strand): 5'-CATATATATGAGTTACCTAGTCATTTCTTCTTCCAGAATTTTGCCTGGATTTAGCAGCGA[C>A]AAGGAAAAGTTCACTAAATTAAAAAATAAAATAAAACATGTTAAAAGATCAAACTATTAA-3'
Protein context (NP_000434.1, residues 90-110): GNFSFPVNFS[Leu100Phe]SLLNPGKILE

ClinVar aggregate classification (germline): Uncertain significance (0 of 4 stars; one submission).

Conditions:
ABCB4-related disorder. Also called: ABCB4-related disorders; ABCB4-related condition.

gnomAD v4.1: 18 of 1,610,678 alleles (0.0011%); highest among the groups gnomAD compares: Non-Finnish European, 0.0015%; no homozygotes.

Submission:

PreventionGenetics, part of Exact Sciences
Classification: Uncertain significance for ABCB4-related condition. Last evaluated: 2024-04-16. Review status: no assertion criteria provided. Collection method: clinical testing. Allele origin: germline.
Comment: The ABCB4 c.300G>T variant is predicted to result in the amino acid substitution p.Leu100Phe. To our knowledge, this variant has not been reported in the literature or in gnomAD, indicating this variant is rare. At this time, the clinical significance of this variant is uncertain due to the absence of conclusive functional and genetic evidence.